The following is an entry in ClinVar:

ClinVar aggregate classification (germline): Uncertain significance (0 of 4 stars; one submission).

Conditions:
FAT4-related disorder. Also called: FAT4-related condition.

gnomAD v4.1: 6 of 1,613,410 alleles (0.00037%); highest among the groups gnomAD compares: Non-Finnish European, 0.00051%; no homozygotes.

Submission:

PreventionGenetics, part of Exact Sciences
Classification: Uncertain significance for FAT4-related condition. Last evaluated: 2024-01-15. Review status: no assertion criteria provided. Collection method: clinical testing. Allele origin: germline.
Comment: The FAT4 c.7016C>T variant is predicted to result in the amino acid substitution p.Ser2339Leu. To our knowledge, this variant has not been reported in the literature or in a large population database, indicating this variant is rare. At this time, the clinical significance of this variant is uncertain due to the absence of conclusive functional and genetic evidence.

NM_001291303.3(FAT4):c.7016C>T (p.Ser2339Leu)

Gene: FAT4 (FAT atypical cadherin 4; plus strand). Cytogenetic location: 4q28.1.
Variant type: single nucleotide variant.
Coding change: c.7016C>T on transcript NM_001291303.3 (MANE Select); coding-DNA position 7016, C replaced by T.
Protein change: p.Ser2339Leu; replaces serine 2339 with leucine.
Molecular consequence: missense variant.
Genome position (GRCh38, 1-based): chr4:125,416,620, C>T. VCF-style: chr4-125416620-C-T. GRCh37 (hg19) VCF-style: chr4-126337775-C-T.
Other names: c.7016C>T, p.Ser2339Leu (NM_001291285.3, NM_024582.6); short protein forms S2339L.
Identifiers: ClinVar variation 3348983 (VCV003348983.1).